The following is an entry in ClinVar:

ClinVar aggregate classification (germline): Uncertain significance (1 of 4 stars; one submission).

Conditions:
EPO-related disorder. Also called: EPO-related condition.

gnomAD v4.1: 1 of 1,613,986 alleles (0.000062%); highest among the groups gnomAD compares: East Asian, 0.0022%; no homozygotes.

Submission:

PreventionGenetics, part of Exact Sciences
Classification: Uncertain significance for EPO-related condition. Last evaluated: 2024-10-11. Review status: criteria provided, single submitter. Criteria: ACMG Guidelines, 2015. Collection method: clinical testing. Allele origin: germline.
Comment: The EPO c.26G>C variant is predicted to result in the amino acid substitution p.Trp9Ser. To our knowledge, this variant has not been reported in the literature or in a large population database (gnomAD), indicating this variant is rare. At this time, the clinical significance of this variant is uncertain due to the absence of conclusive functional and genetic evidence.

NM_000799.4(EPO):c.26G>C (p.Trp9Ser)

Gene: EPO (erythropoietin; plus strand). Cytogenetic location: 7q22.1.
Variant type: single nucleotide variant.
Coding change: c.26G>C on transcript NM_000799.4 (MANE Select); coding-DNA position 26, G replaced by C.
Protein change: p.Trp9Ser; replaces tryptophan 9 with serine.
Molecular consequence: missense variant.
Genome position (GRCh38, 1-based): chr7:100,721,570, G>C. VCF-style: chr7-100721570-G-C. GRCh37 (hg19) VCF-style: chr7-100319193-G-C.
Other names: short protein forms W9S.
Identifiers: ClinVar variation 4999237 (VCV004999237.1).